The following is an entry in ClinVar:

ClinVar aggregate classification (germline): Uncertain significance (1 of 4 stars; one submission).

Conditions:
Cystinuria (CSNU). Also called: CYSTINURIA, TYPE I; CYSTINURIA, TYPE II; CYSTINURIA, TYPE III; Cystinuria, non-type I. Identifiers: Orphanet 214, MedGen C0010691, MONDO:0009067, OMIM 220100, HP:0003131.

Submission:

Labcorp Genetics (formerly Invitae), Labcorp
Classification: Uncertain significance for Cystinuria. Last evaluated: 2021-12-24. Review status: criteria provided, single submitter. Criteria: Invitae Variant Classification Sherloc (09022015). Collection method: clinical testing. Allele origin: germline.
Comment: This sequence change replaces asparagine, which is neutral and polar, with lysine, which is basic and polar, at codon 254 of the SLC3A1 protein (p.Asn254Lys). This variant is not present in population databases (gnomAD no frequency). This missense change has been observed in individual(s) with RQ3018437: recurrent cystinuria renal calculi (Invitae). In at least one individual the data is consistent with being in trans (on the opposite chromosome) from a pathogenic variant. Algorithms developed to predict the effect of missense changes on protein structure and function are either unavailable or do not agree on the potential impact of this missense change (SIFT: "Deleterious"; PolyPhen-2: "Probably Damaging"; Align-GVGD: "Class C0"). This variant disrupts the p.Asn254 amino acid residue in SLC3A1. Other variant(s) that disrupt this residue have been observed in individuals with SLC3A1-related conditions (Invitae), which suggests that this may be a clinically significant amino acid residue. In summary, the available evidence is currently insufficient to determine the role of this variant in disease. Therefore, it has been classified as a Variant of Uncertain Significance.

NM_000341.4(SLC3A1):c.762C>A (p.Asn254Lys)

Gene: SLC3A1 (solute carrier family 3 member 1; plus strand). Cytogenetic location: 2p21.
Variant type: single nucleotide variant.
Coding change: c.762C>A on transcript NM_000341.4 (MANE Select); coding-DNA position 762, C replaced by A.
Protein change: p.Asn254Lys; replaces asparagine 254 with lysine.
Molecular consequence: missense variant.
Genome position (GRCh38, 1-based): chr2:44,281,538, C>A. VCF-style: chr2-44281538-C-A. GRCh37 (hg19) VCF-style: chr2-44508677-C-A.
Other names: short protein forms N254K.
Identifiers: ClinVar variation 2058484 (VCV002058484.4), dbSNP rs1572790723, ClinGen allele CA346689355.
Genomic context (GRCh38, chr2:44,281,538, plus strand): 5'-TGATTATTATATCTGGCATGACTGTACCCATGAAAATGGCAAAACCATTCCACCCAACAA[C>A]TGGGTAAGTATCAACCTGTCTGACTTACAAAGGGGTAAAAGGCAGATATGTAGTGATTGA-3'
Protein context (NP_000332.2, residues 244-264): HENGKTIPPN[Asn254Lys]WLSVYGNSSW